The following is an entry in ClinVar:

ClinVar aggregate classification (germline): Pathogenic (1 of 4 stars; one submission).

Submission:

Labcorp Genetics (formerly Invitae), Labcorp
Classification: Pathogenic. Last evaluated: 2023-11-20. Review status: criteria provided, single submitter. Criteria: Invitae Variant Classification Sherloc (09022015). Collection method: clinical testing. Allele origin: unknown.
Comment: This variant is a gross deletion of the genomic region encompassing exon(s) 8-11 of the ABCA3 gene. This variant would be expected to be in-frame, preserving the integrity of the reading frame. This variant has not been reported in the literature in individuals affected with ABCA3-related conditions. This variant disrupts a region of the ABCA3 protein in which other variant(s) (p.Glu292Val) have been determined to be pathogenic (PMID: 15976379, 18317237, 23166334, 23625987, 24871971, 29566461, 33110422, 34715861, 35170262, 35626240; Invitae). This suggests that this is a clinically significant region of the protein, and that variants that disrupt it are likely to be disease-causing. For these reasons, this variant has been classified as Pathogenic.

Literature cited by the submitters: PubMed 15976379; PubMed 18317237; PubMed 23166334; PubMed 23625987; PubMed 24871971; PubMed 29566461; PubMed 33110422; PubMed 34715861; PubMed 35170262; PubMed 35626240.

NC_000016.9:g.(?_2358431)_(2369861_?)del

Gene: ABCA3 (ATP binding cassette subfamily A member 3; minus strand). Cytogenetic location: 16p13.3.
Variant type: Deletion.
Identifiers: ClinVar variation 3243610 (VCV003243610.1).